The following is an entry in ClinVar:

NM_002890.3(RASA1):c.1358C>T (p.Thr453Ile)

Genes: CCNH (cyclin H; minus strand), RASA1 (RAS p21 protein activator 1; plus strand). Cytogenetic location: 5q14.3.
Variant type: single nucleotide variant.
Coding change: c.1358C>T on transcript NM_002890.3 (MANE Select); coding-DNA position 1358, C replaced by T.
Protein change: p.Thr453Ile; replaces threonine 453 with isoleucine.
Molecular consequence: missense variant. On other transcripts: intron variant (1).
Genome position (GRCh38, 1-based): chr5:87,362,576, C>T. VCF-style: chr5-87362576-C-T. GRCh37 (hg19) VCF-style: chr5-86658393-C-T.
Other names: c.827C>T, p.Thr276Ile (NM_022650.3); c.933+32468G>A (NM_001364075.2); short protein forms T453I, T276I.
Identifiers: ClinVar variation 2568115 (VCV002568115.2), dbSNP rs1011383896, ClinGen allele CA121800190.

ClinVar aggregate classification (germline): Uncertain significance (1 of 4 stars; one submission).

Conditions:
Cardiovascular phenotype. Identifiers: MedGen CN230736.

gnomAD v4.1: 1 of 1,594,478 alleles (0.000063%); highest among the groups gnomAD compares: Non-Finnish European, 0.000086%; no homozygotes.

Submission:

Ambry Genetics
Classification: Uncertain significance for Cardiovascular phenotype. Last evaluated: 2023-06-12. Review status: criteria provided, single submitter. Criteria: Ambry Variant Classification Scheme 2023. Collection method: clinical testing. Allele origin: germline.
Comment: The p.T453I variant (also known as c.1358C>T), located in coding exon 10 of the RASA1 gene, results from a C to T substitution at nucleotide position 1358. The threonine at codon 453 is replaced by isoleucine, an amino acid with similar properties. This amino acid position is conserved. In addition, this alteration is predicted to be tolerated by in silico analysis. Since supporting evidence is limited at this time, the clinical significance of this alteration remains unclear.